The following is an entry in ClinVar:

NM_130839.5(UBE3A):c.313T>G (p.Cys105Gly)

Genes: SNHG14 (small nucleolar RNA host gene 14; plus strand), UBE3A (ubiquitin protein ligase E3A; minus strand). Cytogenetic location: 15q11.2.
Variant type: single nucleotide variant.
Coding change: c.313T>G on transcript NM_130839.5 (MANE Select); coding-DNA position 313, T replaced by G.
Protein change: p.Cys105Gly; replaces cysteine 105 with glycine.
Molecular consequence: missense variant. On other transcripts: non-coding transcript variant (1).
Genome position (GRCh38, 1-based): chr15:25,375,513, A>C on the plus strand (T>G on the coding strand, the complement: UBE3A is on the minus strand). VCF-style: chr15-25375513-A-C. GRCh37 (hg19) VCF-style: chr15-25620660-A-C.
Other names: c.322T>G, p.Cys108Gly (NM_000462.5); c.313T>G, p.Cys105Gly (NM_001354505.1, NM_001354538.2, NM_001354550.2 and 1 more transcripts); c.253T>G, p.Cys85Gly (NM_001354506.2, NM_001354507.2, NM_001354508.2 and 18 more transcripts); c.136T>G, p.Cys46Gly (NM_001354546.2); short protein forms C105G, C108G, C46G, C85G.
Identifiers: ClinVar variation 3253457 (VCV003253457.1), dbSNP rs2552193004.

ClinVar aggregate classification (germline): Uncertain significance (1 of 4 stars; one submission).

Submission:

GeneDx
Classification: Uncertain significance. Last evaluated: 2023-08-07. Review status: criteria provided, single submitter. Criteria: GeneDx Variant Classification Process June 2021. Collection method: clinical testing. Allele origin: germline. Affected: yes.
Comment: Not observed at significant frequency in large population cohorts (gnomAD); In silico analysis supports that this missense variant does not alter protein structure/function; Has not been previously published as pathogenic or benign to our knowledge